The following is an entry in ClinVar:

ClinVar aggregate classification (germline): Uncertain significance (1 of 4 stars; one submission).

Submission:

Labcorp Genetics (formerly Invitae), Labcorp
Classification: Uncertain significance. Last evaluated: 2024-08-23. Review status: criteria provided, single submitter. Criteria: Invitae Variant Classification Sherloc (09022015). Collection method: clinical testing. Allele origin: germline.
Comment: This sequence change replaces isoleucine, which is neutral and non-polar, with leucine, which is neutral and non-polar, at codon 4 of the RPL9 protein (p.Ile4Leu). This variant is not present in population databases (gnomAD no frequency). This variant has not been reported in the literature in individuals affected with RPL9-related conditions. An algorithm developed to predict the effect of missense changes on protein structure and function (PolyPhen-2) suggests that this variant is likely to be tolerated. In summary, the available evidence is currently insufficient to determine the role of this variant in disease. Therefore, it has been classified as a Variant of Uncertain Significance.

NM_000661.5(RPL9):c.10A>C (p.Ile4Leu)

Gene: RPL9 (ribosomal protein L9; minus strand). Cytogenetic location: 4p14.
Variant type: single nucleotide variant.
Coding change: c.10A>C on transcript NM_000661.5 (MANE Select); coding-DNA position 10, A replaced by C.
Protein change: p.Ile4Leu; replaces isoleucine 4 with leucine.
Molecular consequence: missense variant.
Genome position (GRCh38, 1-based): chr4:39,458,430, T>G on the plus strand (A>C on the coding strand, the complement: RPL9 is on the minus strand). VCF-style: chr4-39458430-T-G. GRCh37 (hg19) VCF-style: chr4-39460050-T-G.
Other names: c.10A>C, p.Ile4Leu (NM_001024921.4); short protein forms I4L.
Identifiers: ClinVar variation 3658130 (VCV003658130.2).